The following is an entry in ClinVar:

NM_139027.6(ADAMTS13):c.3571C>T (p.Arg1191Trp)

Gene: ADAMTS13 (ADAM metallopeptidase with thrombospondin type 1 motif 13; plus strand). Cytogenetic location: 9q34.2.
Variant type: single nucleotide variant.
Coding change: c.3571C>T on transcript NM_139027.6 (MANE Select); coding-DNA position 3571, C replaced by T.
Protein change: p.Arg1191Trp; replaces arginine 1191 with tryptophan.
Molecular consequence: missense variant. On other transcripts: non-coding transcript variant (1).
Genome position (GRCh38, 1-based): chr9:133,456,566, C>T. VCF-style: chr9-133456566-C-T. GRCh37 (hg19) VCF-style: chr9-136321688-C-T.
Other names: p.Arg1247Trp; c.3739C>T (NM_139025.3); c.3739C>T, p.Arg1247Trp (NM_139025.5); c.3478C>T, p.Arg1160Trp (NM_139026.6); short protein forms R1191W, R1247W, R1160W.
Identifiers: ClinVar variation 2068307 (VCV002068307.9), dbSNP rs142489534, ClinGen allele CA200945311.

ClinVar aggregate classification (germline): Conflicting classifications of pathogenicity. Review status: criteria provided, conflicting classifications (1 of 4 stars). 6 submissions from 6 submitters: Uncertain significance (4); Likely benign (2). Last evaluated 2025-12-15.

Conditions:
Inborn genetic diseases. Identifiers: MedGen C0950123, MeSH D030342.
ADAMTS13-related disorder. Also called: ADAMTS13-related condition.
Upshaw-Schulman syndrome (TTP). Also called: THROMBOTIC THROMBOCYTOPENIC PURPURA, HEREDITARY; Congenital thrombotic thrombocytopenic purpura. Identifiers: Orphanet 93583, MedGen C1268935, MONDO:0010122, OMIM 274150.

Allele frequency attached by ClinVar (database versions not stated): ExAC 0.00016; gnomAD 0.00031; TOPMed 0.00036; ESP Exome Variant Server 0.00038.
gnomAD v4.1: 94 of 1,613,364 alleles (0.0058%); highest among the groups gnomAD compares: African/African-American, 0.093%; no homozygotes.

Submissions (6):

Labcorp Genetics (formerly Invitae), Labcorp
Classification: Likely benign. Last evaluated: 2025-12-15. Review status: criteria provided, single submitter. Criteria: Invitae Variant Classification Sherloc (09022015). Collection method: clinical testing. Allele origin: germline.

Mayo Clinic Laboratories, Mayo Clinic
Classification: Likely benign. Last evaluated: 2025-11-20. Review status: criteria provided, single submitter. Criteria: ACMG Guidelines, 2015. Collection method: clinical testing. Allele origin: germline. Observed: 3 variant alleles.
Comment: BS1

Ambry Genetics
Classification: Uncertain significance for Inborn genetic diseases. Last evaluated: 2025-06-06. Review status: criteria provided, single submitter. Criteria: Ambry Variant Classification Scheme 2023. Collection method: clinical testing. Allele origin: germline.

Blueprint Genetics
Classification: Uncertain significance. Last evaluated: 2024-06-28. Review status: criteria provided, single submitter. Criteria: ACMG Guidelines, 2015. Collection method: clinical testing. Allele origin: germline.

Fulgent Genetics
Classification: Uncertain significance for Upshaw-Schulman syndrome. Last evaluated: 2024-02-07. Review status: criteria provided, single submitter. Criteria: ACMG Guidelines, 2015. Collection method: clinical testing. Allele origin: germline.

PreventionGenetics, part of Exact Sciences
Classification: Uncertain significance for ADAMTS13-related condition. Last evaluated: 2023-03-09. Review status: criteria provided, single submitter. Criteria: ACMG Guidelines, 2015. Collection method: clinical testing. Allele origin: germline.
Comment: The ADAMTS13 c.3739C>T variant is predicted to result in the amino acid substitution p.Arg1247Trp. To our knowledge, this variant has not been reported in the literature. This variant is reported in 0.11% of alleles in individuals of African descent in gnomAD. Although we suspect that this variant may be benign, at this time, the clinical significance of this variant is uncertain due to the absence of conclusive functional and genetic evidence.